The following is an entry in ClinVar:

NM_002519.3(NPAT):c.3621G>A (p.Met1207Ile)

Gene: NPAT (nuclear protein, coactivator of histone transcription; minus strand). Cytogenetic location: 11q22.3.
Variant type: single nucleotide variant.
Coding change: c.3621G>A on transcript NM_002519.3 (MANE Select); coding-DNA position 3621, G replaced by A.
Protein change: p.Met1207Ile; replaces methionine 1207 with isoleucine.
Molecular consequence: missense variant.
Genome position (GRCh38, 1-based): chr11:108,161,465, C>T on the plus strand (G>A on the coding strand, the complement: NPAT is on the minus strand). VCF-style: chr11-108161465-C-T. GRCh37 (hg19) VCF-style: chr11-108032192-C-T.
Other names: c.3642G>A, p.Met1214Ile (NM_001321307.1); short protein forms M1207I, M1214I.
Identifiers: ClinVar variation 2453800 (VCV002453800.2), dbSNP rs2496695306, ClinGen allele CA382510405.

ClinVar aggregate classification (germline): Uncertain significance (1 of 4 stars; one submission).

Submission:

Ambry Genetics
Classification: Uncertain significance. Last evaluated: 2023-02-23. Review status: criteria provided, single submitter. Criteria: Ambry Variant Classification Scheme 2023. Collection method: clinical testing. Allele origin: germline.
Comment: The p.M1207I variant (also known as c.3621G>A), located in coding exon 17 of the NPAT gene, results from a G to A substitution at nucleotide position 3621. The methionine at codon 1207 is replaced by isoleucine, an amino acid with highly similar properties. This amino acid position is conserved. In addition, this alteration is predicted to be tolerated by in silico analysis. Since supporting evidence is limited at this time, the clinical significance of this alteration remains unclear.